The following is an entry in ClinVar:

ClinVar aggregate classification (germline): Uncertain significance (1 of 4 stars; one submission).

Conditions:
Familial sleep-related hypermotor epilepsy. Also called: Autosomal Dominant Sleep-Related Hypermotor (Hyperkinetic) Epilepsy. Identifiers: Orphanet 98784, MedGen C3696898, MONDO:0000030.

Submission:

Labcorp Genetics (formerly Invitae), Labcorp
Classification: Uncertain significance. Last evaluated: 2022-02-04. Review status: criteria provided, single submitter. Criteria: Invitae Variant Classification Sherloc (09022015). Collection method: clinical testing. Allele origin: germline.
Comment: This sequence change replaces valine, which is neutral and non-polar, with alanine, which is neutral and non-polar, at codon 318 of the CHRNB2 protein (p.Val318Ala). This variant is not present in population databases (gnomAD no frequency). This missense change has been observed in individual(s) with clinical features of autosomal dominant nocturnal frontal lobe epilepsy (Invitae). Advanced modeling of protein sequence and biophysical properties (such as structural, functional, and spatial information, amino acid conservation, physicochemical variation, residue mobility, and thermodynamic stability) performed at Invitae indicates that this missense variant is expected to disrupt CHRNB2 protein function. In summary, the available evidence is currently insufficient to determine the role of this variant in disease. Therefore, it has been classified as a Variant of Uncertain Significance.

NM_000748.3(CHRNB2):c.953T>C (p.Val318Ala)

Gene: CHRNB2 (cholinergic receptor nicotinic beta 2 subunit; plus strand). Cytogenetic location: 1q21.3.
Variant type: single nucleotide variant.
Coding change: c.953T>C on transcript NM_000748.3 (MANE Select); coding-DNA position 953, T replaced by C.
Protein change: p.Val318Ala; replaces valine 318 with alanine.
Molecular consequence: missense variant.
Genome position (GRCh38, 1-based): chr1:154,571,776, T>C. VCF-style: chr1-154571776-T-C. GRCh37 (hg19) VCF-style: chr1-154544252-T-C.
Other names: short protein forms V318A.
Identifiers: ClinVar variation 1507032 (VCV001507032.8), dbSNP rs2101521543, ClinGen allele CA342631180.